The following is an entry in ClinVar:

NM_001368809.2(AMPD2):c.283G>A (p.Glu95Lys)

Gene: AMPD2 (adenosine monophosphate deaminase 2; plus strand). Cytogenetic location: 1p13.3.
Variant type: single nucleotide variant.
Coding change: c.283G>A on transcript NM_001368809.2 (MANE Select); coding-DNA position 283, G replaced by A.
Protein change: p.Glu95Lys; replaces glutamic acid 95 with lysine.
Molecular consequence: missense variant.
Genome position (GRCh38, 1-based): chr1:109,625,722, G>A. VCF-style: chr1-109625722-G-A. GRCh37 (hg19) VCF-style: chr1-110168344-G-A.
Other names: c.91G>A, p.Glu31Lys (NM_001257361.2); c.220G>A, p.Glu74Lys (NM_001308170.1); c.283G>A, p.Glu95Lys (NM_004037.9); c.202G>A, p.Glu68Lys (NM_139156.4); short protein forms E68K, E95K, E74K, E31K.
Identifiers: ClinVar variation 1398121 (VCV001398121.8), dbSNP rs776751502, ClinGen allele CA992748.
Genomic context (GRCh38, chr1:109,625,722, plus strand): 5'-GAGCTGTTCACCCGCTCACTGGCTGAGAGCGAGCTCCGTAGTGCCCCGTATGAGTTCCCC[G>A]AGGAGAGCCCCATTGAACAGCTGGAGGAGCGGCGGCAGCGGCTGGAGCGGCAGATCAGCC-3'
Protein context (NP_001355738.1, residues 85-105): ELRSAPYEFP[Glu95Lys]ESPIEQLEER

ClinVar aggregate classification (germline): Uncertain significance (1 of 4 stars; one submission).

Conditions:
Hereditary spastic paraplegia 63. Also called: Spastic paraplegia 63, autosomal recessive. Identifiers: Orphanet 401805, MedGen C3810295, MONDO:0014305, OMIM 615686.
Pontocerebellar hypoplasia type 9. Identifiers: Orphanet 369920, MedGen C4014354, MONDO:0014351, OMIM 615809.

Allele frequency attached by ClinVar (database versions not stated): gnomAD exomes 0.00001 and 0.00003; TOPMed 0.00002; ExAC 0.00003; gnomAD 0.00004.
gnomAD v4.1: 24 of 1,614,020 alleles (0.0015%); highest among the groups gnomAD compares: African/African-American, 0.0067%; no homozygotes.

Submission:

Labcorp Genetics (formerly Invitae), Labcorp
Classification: Uncertain significance for Pontocerebellar hypoplasia type 9; Hereditary spastic paraplegia 63. Last evaluated: 2024-02-12. Review status: criteria provided, single submitter. Criteria: Invitae Variant Classification Sherloc (09022015). Collection method: clinical testing. Allele origin: germline.
Comment: This sequence change replaces glutamic acid, which is acidic and polar, with lysine, which is basic and polar, at codon 149 of the AMPD2 protein (p.Glu149Lys). This variant is present in population databases (rs776751502, gnomAD 0.01%). This variant has not been reported in the literature in individuals affected with AMPD2-related conditions. ClinVar contains an entry for this variant (Variation ID: 1398121). An algorithm developed to predict the effect of missense changes on protein structure and function (PolyPhen-2) suggests that this variant is likely to be tolerated. In summary, the available evidence is currently insufficient to determine the role of this variant in disease. Therefore, it has been classified as a Variant of Uncertain Significance.